The following is an entry in ClinVar:

ClinVar aggregate classification (germline): Uncertain significance. Review status: criteria provided, multiple submitters, no conflicts (2 of 4 stars). 5 submissions from 5 submitters: Uncertain significance (5). Last evaluated 2025-11-24.

Conditions:
Colorectal cancer, susceptibility to, 12 (CRCS12). Also called: COLORECTAL CANCER, SUSCEPTIBILITY TO, ON CHROMOSOME 12q24. Identifiers: Orphanet 220460, MedGen C3554460, MONDO:0014038, OMIM 615083.
Hereditary cancer-predisposing syndrome. Also called: Tumor predisposition; Neoplastic Syndromes, Hereditary; Hereditary Cancer Syndrome; Hereditary neoplastic syndrome. Identifiers: Orphanet 140162, MedGen C0027672, MeSH D009386, MONDO:0015356.

Allele frequency attached by ClinVar (database versions not stated): TOPMed below 0.00001; gnomAD 0.00001.
gnomAD v4.1: 8 of 1,606,706 alleles (0.0005%); highest among the groups gnomAD compares: Non-Finnish European, 0.00068%; no homozygotes.

Submissions (5):

Ambry Genetics
Classification: Uncertain significance for Hereditary cancer-predisposing syndrome. Last evaluated: 2025-11-24. Review status: criteria provided, single submitter. Criteria: Ambry Variant Classification Scheme 2023. Collection method: clinical testing. Allele origin: germline.
Comment: The p.T457M variant (also known as c.1370C>T), located in coding exon 14 of the POLE gene, results from a C to T substitution at nucleotide position 1370. The threonine at codon 457 is replaced by methionine, an amino acid with similar properties. This amino acid position is highly conserved in available vertebrate species. In addition, the in silico prediction for this alteration is inconclusive. Based on the available evidence, the clinical significance of this variant remains unclear.

Labcorp Genetics (formerly Invitae), Labcorp
Classification: Uncertain significance. Last evaluated: 2025-09-16. Review status: criteria provided, single submitter. Criteria: Invitae Variant Classification Sherloc (09022015). Collection method: clinical testing. Allele origin: germline.
Comment: This sequence change replaces threonine, which is neutral and polar, with methionine, which is neutral and non-polar, at codon 457 of the POLE protein (p.Thr457Met). This variant is not present in population databases (gnomAD no frequency). This missense change has been observed in individual(s) with POLE-related cancer (PMID: 32567205, 32992294, 36629684, 37990341). ClinVar contains an entry for this variant (Variation ID: 240390). Invitae Evidence Modeling of protein sequence and biophysical properties (such as structural, functional, and spatial information, amino acid conservation, physicochemical variation, residue mobility, and thermodynamic stability) indicates that this missense variant is not expected to disrupt POLE protein function with a negative predictive value of 80%. RNA analysis performed to evaluate the impact of this missense change on mRNA splicing indicates it does not significantly alter splicing (internal data). In summary, the available evidence is currently insufficient to determine the role of this variant in disease. Therefore, it has been classified as a Variant of Uncertain Significance.

Baylor Genetics
Classification: Uncertain significance for Colorectal cancer, susceptibility to, 12. Last evaluated: 2024-02-18. Review status: criteria provided, single submitter. Criteria: ACMG Guidelines, 2015. Collection method: clinical testing. Allele origin: unknown.

Quest Diagnostics Nichols Institute San Juan Capistrano
Classification: Uncertain significance. Last evaluated: 2023-02-08. Review status: criteria provided, single submitter. Criteria: Quest Diagnostics criteria. Collection method: clinical testing. Allele origin: unknown.
Comment: This variant has not been described in online databases. The frequency of this variant in the general population, 0.000013 (2/152254 chromosomes), is uninformative in assessment of its pathogenicity. In the published literature, the variant has been reported in individuals with thyroid cancer (PMID: 32992294 (2020)) and colorectal cancer (PMID: 32567205 (2020)). The variant has also been reported as a somatic variant in endometrial (PMID: 30917185 (2019)) and colorectal cancer tumors (PMID: 25124163 (2014)). Analysis of this variant using bioinformatics tools for the prediction of the effect of amino acid changes on protein structure and function yielded conflicting predictions that this variant is benign or damaging. Based on the available information, we are unable to determine the clinical significance of this variant.

GeneDx
Classification: Uncertain significance. Last evaluated: 2020-01-20. Review status: criteria provided, single submitter. Criteria: GeneDx Variant Classification Process June 2021. Collection method: clinical testing. Allele origin: germline. Affected: yes.
Comment: Not observed in large population cohorts (Lek 2016); In silico analysis, which includes protein predictors and evolutionary conservation, supports a deleterious effect; Has not been previously published as pathogenic or benign to our knowledge; This variant is associated with the following publications: (PMID: 32567205, 32992294, 25124163, 25860647, 30917185)

Literature cited by the submitters: PubMed 25124163 (cited by Ambry Genetics and Quest Diagnostics Nichols Institute San Juan Capistrano); PubMed 32567205 (cited by 3 submitters); PubMed 32992294 (cited by Labcorp Genetics (formerly Invitae), Labcorp and Quest Diagnostics Nichols Institute San Juan Capistrano); PubMed 36629684 (cited by Labcorp Genetics (formerly Invitae), Labcorp); PubMed 37990341 (cited by Labcorp Genetics (formerly Invitae), Labcorp); PubMed 25860647 (cited by Quest Diagnostics Nichols Institute San Juan Capistrano); PubMed 30917185 (cited by Quest Diagnostics Nichols Institute San Juan Capistrano).

NM_006231.4(POLE):c.1370C>T (p.Thr457Met)

Gene: POLE (DNA polymerase epsilon, catalytic subunit; minus strand). Cytogenetic location: 12q24.33.
Variant type: single nucleotide variant.
Coding change: c.1370C>T on transcript NM_006231.4 (MANE Select); coding-DNA position 1370, C replaced by T.
Protein change: p.Thr457Met; replaces threonine 457 with methionine.
Molecular consequence: missense variant.
Genome position (GRCh38, 1-based): chr12:132,673,267, G>A on the plus strand (C>T on the coding strand, the complement: POLE is on the minus strand). VCF-style: chr12-132673267-G-A. GRCh37 (hg19) VCF-style: chr12-133249853-G-A.
Other names: short protein forms T457M.
Identifiers: ClinVar variation 240390 (VCV000240390.19), dbSNP rs878854842, ClinGen allele CA10583018.